The following is an entry in ClinVar:

NM_001142800.2(EYS):c.9060A>G (p.Ile3020Met)

Genes: EYS (EGF-like photoreceptor maintenance factor; minus strand), PHF3 (PHD finger protein 3; plus strand). Cytogenetic location: 6q12.
Variant type: single nucleotide variant.
Coding change: c.9060A>G on transcript NM_001142800.2 (MANE Select); coding-DNA position 9060, A replaced by G.
Protein change: p.Ile3020Met; replaces isoleucine 3020 with methionine.
Molecular consequence: missense variant. On other transcripts: 3 prime UTR variant (5).
Genome position (GRCh38, 1-based): chr6:63,720,971, T>C on the plus strand (A>G on the coding strand, the complement: EYS is on the minus strand). VCF-style: chr6-63720971-T-C. GRCh37 (hg19) VCF-style: chr6-64430867-T-C.
Other names: c.*7263T>C (NM_001290259.2, NM_001370348.2, NM_001370349.2 and 2 more transcripts); c.9123A>G, p.Ile3041Met (NM_001292009.2); short protein forms I3020M, I3041M.
Identifiers: ClinVar variation 1047013 (VCV001047013.9), dbSNP rs898622662, ClinGen allele CA140236805.

ClinVar aggregate classification (germline): Uncertain significance. Review status: criteria provided, single submitter (1 of 4 stars). 2 submissions from 2 submitters: Uncertain significance (1). 1 of the submissions does not count toward it. Last evaluated 2022-07-19.

Conditions:
Retinitis pigmentosa 25 (RP25). Identifiers: Orphanet 791, MedGen C1864446, MONDO:0011272, OMIM 602772.

Allele frequency attached by ClinVar (database versions not stated): gnomAD exomes below 0.00001; TOPMed below 0.00001; gnomAD 0.00001.
gnomAD v4.1: 4 of 1,551,306 alleles (0.00026%); highest among the groups gnomAD compares: Non-Finnish European, 0.00035%; no homozygotes.

Submissions (2):

Labcorp Genetics (formerly Invitae), Labcorp
Classification: Uncertain significance. Last evaluated: 2022-07-19. Review status: criteria provided, single submitter. Criteria: Invitae Variant Classification Sherloc (09022015). Collection method: clinical testing. Allele origin: germline.
Comment: In summary, the available evidence is currently insufficient to determine the role of this variant in disease. Therefore, it has been classified as a Variant of Uncertain Significance. Algorithms developed to predict the effect of missense changes on protein structure and function are either unavailable or do not agree on the potential impact of this missense change (SIFT: "Deleterious"; PolyPhen-2: "Possibly Damaging"; Align-GVGD: "Class C0"). ClinVar contains an entry for this variant (Variation ID: 1047013). This variant has not been reported in the literature in individuals affected with EYS-related conditions. This variant is not present in population databases (gnomAD no frequency). This sequence change replaces isoleucine, which is neutral and non-polar, with methionine, which is neutral and non-polar, at codon 3020 of the EYS protein (p.Ile3020Met).

Natera, Inc.
Classification: Uncertain significance for Retinitis pigmentosa type 25. Last evaluated: 2020-09-24. Review status: no assertion criteria provided. Collection method: clinical testing. Allele origin: germline. Not counted in ClinVar's aggregate classification.